The following is an entry in ClinVar:

GRCh38/hg38 21q21.3-22.11(chr21:29850105-30680142)x3

Genes: CLDN17 (claudin 17; minus strand), CLDN8 (claudin 8; minus strand), GRIK1 (glutamate ionotropic receptor kainate type subunit 1; minus strand), KRTAP13-1 (keratin associated protein 13-1; plus strand), KRTAP13-2 (keratin associated protein 13-2; minus strand) and 27 more. Cytogenetic location: 21q21.3-22.11.
Variant type: copy number gain.
Change: copy number 3 (three copies instead of two) of chr21:29,850,105-30,680,142 (830.0 kb, GRCh38 coordinates, 1-based), cytogenetic band 21q21.3-22.11.
Identifiers: ClinVar variation 57030 (VCV000057030.1).

ClinVar aggregate classification (germline): Uncertain significance (1 of 4 stars; one submission).

Submission:

ISCA site 4
Classification: Uncertain significance. Last evaluated: 2011-08-12. Review status: criteria provided, single submitter. Criteria: Kaminsky et al. (Genet Med. 2011). Collection method: clinical testing. Allele origin: unknown. Affected: yes. Observed: 1 variant allele.
Comment: Copy number variation identified through the course of routine clinical cytogenomic testing in postnatal populations. Clinical assertions have been curated as described in Kaminsky et al. 2011.